The following is an entry in ClinVar:

NM_001621.5(AHR):c.602T>C (p.Val201Ala)

Gene: AHR (aryl hydrocarbon receptor; plus strand). Cytogenetic location: 7p21.1.
Variant type: single nucleotide variant.
Coding change: c.602T>C on transcript NM_001621.5 (MANE Select); coding-DNA position 602, T replaced by C.
Protein change: p.Val201Ala; replaces valine 201 with alanine.
Molecular consequence: missense variant.
Genome position (GRCh38, 1-based): chr7:17,330,783, T>C. VCF-style: chr7-17330783-T-C. GRCh37 (hg19) VCF-style: chr7-17370407-T-C.
Other names: short protein forms V201A.
Identifiers: ClinVar variation 1467168 (VCV001467168.8), dbSNP rs750434464, ClinGen allele CA4171890.

ClinVar aggregate classification (germline): Uncertain significance (1 of 4 stars; one submission).

Allele frequency attached by ClinVar (database versions not stated): ExAC 0.00001.
gnomAD v4.1: 1 of 1,610,308 alleles (0.000062%); highest among the groups gnomAD compares: South Asian, 0.0011%; no homozygotes.

Submission:

Labcorp Genetics (formerly Invitae), Labcorp
Classification: Uncertain significance. Last evaluated: 2022-03-10. Review status: criteria provided, single submitter. Criteria: Invitae Variant Classification Sherloc (09022015). Collection method: clinical testing. Allele origin: germline.
Comment: In summary, the available evidence is currently insufficient to determine the role of this variant in disease. Therefore, it has been classified as a Variant of Uncertain Significance. Algorithms developed to predict the effect of missense changes on protein structure and function (SIFT, PolyPhen-2, Align-GVGD) all suggest that this variant is likely to be tolerated. This variant has not been reported in the literature in individuals affected with AHR-related conditions. This variant is present in population databases (rs750434464, gnomAD 0.003%). This sequence change replaces valine, which is neutral and non-polar, with alanine, which is neutral and non-polar, at codon 201 of the AHR protein (p.Val201Ala).